The following is an entry in ClinVar:

ClinVar aggregate classification (germline): Uncertain significance. Review status: criteria provided, multiple submitters, no conflicts (2 of 4 stars). 2 submissions from 2 submitters: Uncertain significance (2). Last evaluated 2024-05-15.

Conditions:
Polyposis syndrome, hereditary mixed, 2. Identifiers: Orphanet 157794, MedGen C1864730, MONDO:0012405, OMIM 610069.
Juvenile polyposis syndrome (JPS). Identifiers: Orphanet 2929, MedGen C0345893, MONDO:0017380, OMIM 174900.

Allele frequency attached by ClinVar (database versions not stated): gnomAD exomes below 0.00001 and 0.00001; ExAC 0.00001.
gnomAD v4.1: 3 of 1,611,588 alleles (0.00019%); highest among the groups gnomAD compares: Non-Finnish European, 0.00025%; no homozygotes.

Submissions (2):

Fulgent Genetics
Classification: Uncertain significance for Juvenile polyposis syndrome; Polyposis syndrome, hereditary mixed, 2. Last evaluated: 2024-05-15. Review status: criteria provided, single submitter. Criteria: ACMG Guidelines, 2015. Collection method: clinical testing. Allele origin: germline.

Labcorp Genetics (formerly Invitae), Labcorp
Classification: Uncertain significance for Juvenile polyposis syndrome. Last evaluated: 2022-09-06. Review status: criteria provided, single submitter. Criteria: Invitae Variant Classification Sherloc (09022015). Collection method: clinical testing. Allele origin: germline.
Comment: ClinVar contains an entry for this variant (Variation ID: 411622). Algorithms developed to predict the effect of missense changes on protein structure and function are either unavailable or do not agree on the potential impact of this missense change (SIFT: "Tolerated"; PolyPhen-2: "Probably Damaging"; Align-GVGD: "Class C0"). RNA analysis performed to evaluate the impact of this missense change on mRNA splicing indicates it does not significantly alter splicing (Invitae). In summary, the available evidence is currently insufficient to determine the role of this variant in disease. Therefore, it has been classified as a Variant of Uncertain Significance. This sequence change replaces lysine, which is basic and polar, with arginine, which is basic and polar, at codon 111 of the BMPR1A protein (p.Lys111Arg). This variant is present in population databases (rs756944246, gnomAD 0.002%). This variant has not been reported in the literature in individuals affected with BMPR1A-related conditions.

NM_004329.3(BMPR1A):c.332A>G (p.Lys111Arg)

Gene: BMPR1A (bone morphogenetic protein receptor type 1A; plus strand). Cytogenetic location: 10q23.2.
Variant type: single nucleotide variant.
Coding change: c.332A>G on transcript NM_004329.3 (MANE Select); coding-DNA position 332, A replaced by G.
Protein change: p.Lys111Arg; replaces lysine 111 with arginine.
Molecular consequence: missense variant.
Genome position (GRCh38, 1-based): chr10:86,892,228, A>G. VCF-style: chr10-86892228-A-G. GRCh37 (hg19) VCF-style: chr10-88651985-A-G.
Other names: short protein forms K111R.
Identifiers: ClinVar variation 411622 (VCV000411622.9), dbSNP rs756944246, ClinGen allele CA5585470.
Genomic context (GRCh38, chr10:86,892,228, plus strand): 5'-AGGGAGAAACCACATTAGCTTCAGGGTGTATGAAATATGAAGGATCTGATTTTCAGTGCA[A>G]AGTAAGATATAATTTGGGACCCATGAGACAAAGAAGGGAGGGGCCATATGAAAGCATCGA-3'
Protein context (NP_004320.2, residues 101-121): MKYEGSDFQC[Lys111Arg]DSPKAQLRRT